The following is an entry in ClinVar:

ClinVar aggregate classification (germline): Pathogenic. Review status: criteria provided, multiple submitters, no conflicts (2 of 4 stars). 2 submissions from 2 submitters: Pathogenic (2). Last evaluated 2025-05-07.

Conditions:
X-linked Emery-Dreifuss muscular dystrophy. Also called: Muscular dystrophy, tardive Emery-Dreifuss type, with contractures. Identifiers: Orphanet 261, Orphanet 98863, MedGen C0751337, MONDO:0010680.

Submissions (2):

Labcorp Genetics (formerly Invitae), Labcorp
Classification: Pathogenic for X-linked Emery-Dreifuss muscular dystrophy. Last evaluated: 2025-05-07. Review status: criteria provided, single submitter. Criteria: Invitae Variant Classification Sherloc (09022015). Collection method: clinical testing. Allele origin: germline.
Comment: This sequence change creates a premature translational stop signal (p.Gln119*) in the EMD gene. It is expected to result in an absent or disrupted protein product. Loss-of-function variants in EMD are known to be pathogenic (PMID: 24365856). This variant is not present in population databases (gnomAD no frequency). This variant has not been reported in the literature in individuals affected with EMD-related conditions. ClinVar contains an entry for this variant (Variation ID: 92440). For these reasons, this variant has been classified as Pathogenic.

Eurofins Ntd Llc (ga)
Classification: Pathogenic. Last evaluated: 2013-01-17. Review status: criteria provided, single submitter. Criteria: EGL Classification Definitions 2015. Collection method: clinical testing. Allele origin: germline. Observed: 1 variant allele, 1 hemizygote.

Literature cited by the submitters: PubMed 24365856 (cited by Labcorp Genetics (formerly Invitae), Labcorp).

NM_000117.3(EMD):c.355C>T (p.Gln119Ter)

Gene: EMD (emerin; plus strand). Cytogenetic location: Xq28.
Variant type: single nucleotide variant.
Coding change: c.355C>T on transcript NM_000117.3 (MANE Select); coding-DNA position 355, C replaced by T.
Protein change: p.Gln119Ter; replaces glutamine 119 with a stop codon.
Molecular consequence: nonsense.
Genome position (GRCh38, 1-based): chrX:154,380,323, C>T. VCF-style: chrX-154380323-C-T. GRCh37 (hg19) VCF-style: chrX-153608683-C-T.
Other names: NP_000108.1:p.Gln119*; short protein forms Q119*.
Identifiers: ClinVar variation 92440 (VCV000092440.6), dbSNP rs398123157, ClinGen allele CA220365.
Genomic context (GRCh38, chrX:154,380,323, plus strand): 5'-TACTTCACCACCAGGACTTATGGGGAGCCCGAGTCTGCCGGCCCGTCCAGGGCTGTCCGC[C>T]AGTCAGTGACTTCATTCCCAGATGCTGACGCTTTCCATCACCAGGTGAGCTGGCTGGCAG-3'